The following is an entry in ClinVar:

NM_024577.4(SH3TC2):c.2323G>A (p.Gly775Ser)

Gene: SH3TC2 (SH3 domain and tetratricopeptide repeats 2; minus strand). Cytogenetic location: 5q32.
Variant type: single nucleotide variant.
Coding change: c.2323G>A on transcript NM_024577.4 (MANE Select); coding-DNA position 2323, G replaced by A.
Protein change: p.Gly775Ser; replaces glycine 775 with serine.
Molecular consequence: missense variant.
Genome position (GRCh38, 1-based): chr5:149,027,409, C>T on the plus strand (G>A on the coding strand, the complement: SH3TC2 is on the minus strand). VCF-style: chr5-149027409-C-T. GRCh37 (hg19) VCF-style: chr5-148406972-C-T.
Other names: short protein forms G775S.
Identifiers: ClinVar variation 1305503 (VCV001305503.11), dbSNP rs559578990, ClinGen allele CA3499022.
Genomic context (GRCh38, chr5:149,027,409, plus strand): 5'-ATTCCTGCTCACCCAGCAGCTGCCCTAGCACCAAGGCCTGGCTCAGGTAGTGGATGGCAC[C>T]GTCAGGAGACCTGTGCTCGAGGTACACTTTGGAAAGGATGAGACACAGGGCCCTCTGGGT-3'
Protein context (NP_078853.2, residues 765-785): KVYLEHRSPD[Gly775Ser]AIHYLSQALV

ClinVar aggregate classification (germline): Conflicting classifications of pathogenicity. Review status: criteria provided, conflicting classifications (1 of 4 stars). 4 submissions from 4 submitters: Uncertain significance (3); Likely benign (1). Last evaluated 2025-11-13.

Conditions:
SH3TC2-related disorder. Also called: SH3TC2-related condition; SH3TC2-related disorders. Identifiers: MedGen CN239303.
Inborn genetic diseases. Identifiers: MedGen C0950123, MeSH D030342.
Charcot-Marie-Tooth disease type 4. Also called: Charcot-Marie-Tooth disease, type IV; Charcot-Marie-Tooth, Type 4. Identifiers: Orphanet 64749, MedGen C4082197, MONDO:0018995.

Allele frequency attached by ClinVar (database versions not stated): 1000 Genomes Project 0.00040; 1000 Genomes Project 30x 0.00047; TOPMed 0.00002; gnomAD exomes 0.00003 and 0.00007; gnomAD 0.00004 and 0.00006; ExAC 0.00006.
gnomAD v4.1: 59 of 1,614,126 alleles (0.0037%); highest among the groups gnomAD compares: South Asian, 0.038%; 1 homozygote.

Submissions (4):

Ambry Genetics
Classification: Uncertain significance for Inborn genetic diseases. Last evaluated: 2025-11-13. Review status: criteria provided, single submitter. Criteria: Ambry Variant Classification Scheme 2023. Collection method: clinical testing. Allele origin: germline.

PreventionGenetics, part of Exact Sciences
Classification: Uncertain significance for SH3TC2-related condition. Last evaluated: 2025-10-22. Review status: criteria provided, single submitter. Criteria: ACMG Guidelines, 2015. Collection method: clinical testing. Allele origin: germline.
Comment: The SH3TC2 c.2323G>A variant is predicted to result in the amino acid substitution p.Gly775Ser. To our knowledge, this variant has not been reported in the literature. This variant is reported in 0.029% of alleles in individuals of South Asian descent in gnomAD. At this time, the clinical significance of this variant is uncertain due to the absence of conclusive functional and genetic evidence.

Labcorp Genetics (formerly Invitae), Labcorp
Classification: Likely benign for Charcot-Marie-Tooth disease type 4. Last evaluated: 2025-08-26. Review status: criteria provided, single submitter. Criteria: Invitae Variant Classification Sherloc (09022015). Collection method: clinical testing. Allele origin: germline.

GeneDx
Classification: Uncertain significance. Last evaluated: 2019-04-26. Review status: criteria provided, single submitter. Criteria: GeneDx Variant Classification Process June 2021. Collection method: clinical testing. Allele origin: germline. Affected: yes.
Comment: Has not been previously published as pathogenic or benign to our knowledge